The following is an entry in ClinVar:

NM_152564.5(VPS13B):c.9530T>C (p.Leu3177Pro)

Gene: VPS13B (vacuolar protein sorting 13 homolog B; plus strand). Cytogenetic location: 8q22.2.
Variant type: single nucleotide variant.
Coding change: c.9530T>C on transcript NM_152564.5 (MANE Select); coding-DNA position 9530, T replaced by C.
Protein change: p.Leu3177Pro; replaces leucine 3177 with proline.
Molecular consequence: missense variant.
Genome position (GRCh38, 1-based): chr8:99,832,568, T>C. VCF-style: chr8-99832568-T-C. GRCh37 (hg19) VCF-style: chr8-100844796-T-C.
Other names: c.9605T>C, p.Leu3202Pro (NM_017890.5); c.9530T>C (NM_152564.4); short protein forms L3177P.
Identifiers: ClinVar variation 167833 (VCV000167833.21), dbSNP rs199559979, ClinGen allele CA235234.

ClinVar aggregate classification (germline): Uncertain significance. Review status: criteria provided, multiple submitters, no conflicts (2 of 4 stars). 8 submissions from 8 submitters: Uncertain significance (6). 2 of the submissions do not count toward it. Last evaluated 2026-07-01.

Conditions:
VPS13B-related disorder. Also called: VPS13B-related condition.
Inborn genetic diseases. Identifiers: MedGen C0950123, MeSH D030342.
Cohen syndrome (COH1). Also called: Cutis verticis gyrata, retinitis pigmentosa, and sensorineural deafness; PEPPER SYNDROME. Identifiers: Orphanet 193, MedGen C0265223, MONDO:0008999, OMIM 216550.

Allele frequency attached by ClinVar (database versions not stated): TOPMed 0.00008; gnomAD exomes 0.00015 and 0.00005; ESP Exome Variant Server 0.00008; gnomAD 0.00008; ExAC 0.00006.
gnomAD v4.1: 242 of 1,613,826 alleles (0.015%); highest among the groups gnomAD compares: Non-Finnish European, 0.019%; no homozygotes.

Submissions (8):

PreventionGenetics, part of Exact Sciences
Classification: Uncertain significance for VPS13B-related condition. Last evaluated: 2026-07-01. Review status: criteria provided, single submitter. Criteria: ACMG Guidelines, 2015. Collection method: clinical testing. Allele origin: germline.
Comment: The VPS13B c.9530T>C variant is predicted to result in the amino acid substitution p.Leu3177Pro. To our knowledge, this variant has not been reported in the literature. This variant is reported in 0.013% of alleles in individuals of European (Non-Finnish) descent in gnomAD. At this time, the clinical significance of this variant is uncertain due to the absence of conclusive functional and genetic evidence.

Labcorp Genetics (formerly Invitae), Labcorp
Classification: Uncertain significance for Cohen syndrome. Last evaluated: 2022-10-03. Review status: criteria provided, single submitter. Criteria: Invitae Variant Classification Sherloc (09022015). Collection method: clinical testing. Allele origin: germline.
Comment: This sequence change replaces leucine, which is neutral and non-polar, with proline, which is neutral and non-polar, at codon 3202 of the VPS13B protein (p.Leu3202Pro). This variant is present in population databases (rs199559979, gnomAD 0.01%). This variant has not been reported in the literature in individuals affected with VPS13B-related conditions. ClinVar contains an entry for this variant (Variation ID: 167833). Advanced modeling of protein sequence and biophysical properties (such as structural, functional, and spatial information, amino acid conservation, physicochemical variation, residue mobility, and thermodynamic stability) has been performed at Invitae for this missense variant, however the output from this modeling did not meet the statistical confidence thresholds required to predict the impact of this variant on VPS13B protein function. In summary, the available evidence is currently insufficient to determine the role of this variant in disease. Therefore, it has been classified as a Variant of Uncertain Significance.

Ambry Genetics
Classification: Uncertain significance for Inborn genetic diseases. Last evaluated: 2020-12-19. Review status: criteria provided, single submitter. Criteria: Ambry Variant Classification Scheme 2023. Collection method: clinical testing. Allele origin: germline.

Fulgent Genetics
Classification: Uncertain significance for Cohen syndrome. Last evaluated: 2018-10-31. Review status: criteria provided, single submitter. Criteria: ACMG Guidelines, 2015. Collection method: clinical testing. Allele origin: unknown.

Illumina Laboratory Services, Illumina
Classification: Uncertain significance for Cohen syndrome. Last evaluated: 2018-01-12. Review status: criteria provided, single submitter. Criteria: ICSL Variant Classification Criteria 13 December 2019. Collection method: clinical testing. Allele origin: germline.

Eurofins Ntd Llc (ga)
Classification: Uncertain significance. Last evaluated: 2013-12-12. Review status: criteria provided, single submitter. Criteria: EGL Classification Definitions 2015. Collection method: clinical testing. Allele origin: germline. Observed: 2 variant alleles, 2 heterozygotes.

Genetic Services Laboratory, University of Chicago
Classification: Uncertain significance. Last evaluated: 2022-08-24. Review status: no assertion criteria provided. Collection method: clinical testing. Allele origin: germline. Affected: no. Not counted in ClinVar's aggregate classification.
Comment: DNA sequence analysis of the VPS13B gene demonstrated a sequence change, c.9605T>C, in exon 52 that results in an amino acid change, p.Leu3202Pro. This sequence change does not appear to have been previously described in individuals with VPS13B-related disorders. This sequence change has been described in the gnomAD database with a frequency of 0.013% in the European subpopulation (dbSNP rs199559979). The p.Leu3202Pro change affects a moderately conserved amino acid residue located in a domain of the VPS13B protein that is not known to be functional. In-silico pathogenicity prediction tools (SIFT, PolyPhen2, Align GVGD, REVEL) provide contradictory results for the p.Leu3202Pro substitution. Due to insufficient evidences and the lack of functional studies, the clinical significance of the p.Leu3202Pro change remains unknown at this time.

Natera, Inc.
Classification: Uncertain significance for Cohen syndrome. Last evaluated: 2020-01-24. Review status: no assertion criteria provided. Collection method: clinical testing. Allele origin: germline. Not counted in ClinVar's aggregate classification.